The following is an entry in ClinVar:

NM_007294.4(BRCA1):c.32T>A (p.Val11Glu)

Gene: BRCA1 (BRCA1 DNA repair associated; minus strand). Cytogenetic location: 17q21.31.
Variant type: single nucleotide variant.
Coding change: c.32T>A on transcript NM_007294.4 (MANE Select); coding-DNA position 32, T replaced by A.
Protein change: p.Val11Glu; replaces valine 11 with glutamic acid.
Molecular consequence: missense variant. On other transcripts: 5 prime UTR variant (1), non-coding transcript variant (1).
Genome position (GRCh38, 1-based): chr17:43,124,065, A>T on the plus strand (T>A on the coding strand, the complement: BRCA1 is on the minus strand). VCF-style: chr17-43124065-A-T. GRCh37 (hg19) VCF-style: chr17-41276082-A-T.
Other names: c.32T>A, p.Val11Glu (NM_001407991.1, NM_001407992.1, NM_001407993.1 and 193 more transcripts); c.-229T>A (NM_001408410.1, NM_001408462.1, NM_001408463.1 and 22 more transcripts); c.-226T>A (NM_001408455.1, NM_001408456.1, NM_001408468.1 and 11 more transcripts); c.-56T>A (NM_001408459.1, NM_001408460.1, NM_001408461.1 and 23 more transcripts); c.-230T>A (NM_001408465.1, NM_001407695.1); c.-157T>A (NM_001408478.1, NM_001408479.1, NM_001408480.1 and 46 more transcripts); c.-302T>A (NM_001408482.1); c.-273T>A (NM_001408492.1, NM_001407889.1); and 8 more; short protein forms V11E.
Identifiers: ClinVar variation 865022 (VCV000865022.3), dbSNP rs80357017, ClinGen allele CA10602096.

Conditions:
Breast-ovarian cancer, familial, susceptibility to, 1 (BROVCA1). Also called: BRCA1 Hereditary Breast and Ovarian Cancer; OVARIAN CANCER, SUSCEPTIBILITY TO. Identifiers: Orphanet 145, MedGen C2676676, MONDO:0011450, OMIM 604370. Disease mechanism: loss of function.

Submission:

Brotman Baty Institute, University of Washington
No classification provided (evidence only). Condition: Breast-ovarian cancer, familial 1. Review status: no classification provided. Collection method: in vitro. Allele origin: not applicable. Functional consequence: functionally_abnormal.
ClinVar note: "not provided" was previously submitted as the classification for the variant. However, the classification appeared to be based only on an observation of functional data so it was converted to no classification on 2025-07-30.